The following is an entry in ClinVar:

ClinVar aggregate classification (germline): Uncertain significance (1 of 4 stars; one submission).

Conditions:
Hereditary cancer-predisposing syndrome. Also called: Neoplastic Syndromes, Hereditary; Tumor predisposition; Hereditary neoplastic syndrome; Hereditary Cancer Syndrome. Identifiers: Orphanet 140162, MedGen C0027672, MeSH D009386, MONDO:0015356.

Submission:

Ambry Genetics
Classification: Uncertain significance for Hereditary cancer-predisposing syndrome. Last evaluated: 2026-07-06. Review status: criteria provided, single submitter. Criteria: Ambry Variant Classification Scheme 2023. Collection method: clinical testing. Allele origin: germline.
Comment: The p.P275S variant (also known as c.823C>T), located in coding exon 3 of the PHOX2B gene, results from a C to T substitution at nucleotide position 823. The proline at codon 275 is replaced by serine, an amino acid with similar properties. This amino acid position is conserved. In addition, this alteration is predicted to be tolerated by in silico analysis. Based on the available evidence, the clinical significance of this variant remains unclear.

NM_003924.4(PHOX2B):c.823C>T (p.Pro275Ser)

Gene: PHOX2B (paired like homeobox 2B; minus strand). Cytogenetic location: 4p13.
Variant type: single nucleotide variant.
Coding change: c.823C>T on transcript NM_003924.4 (MANE Select); coding-DNA position 823, C replaced by T.
Protein change: p.Pro275Ser; replaces proline 275 with serine.
Molecular consequence: missense variant.
Genome position (GRCh38, 1-based): chr4:41,745,929, G>A on the plus strand (C>T on the coding strand, the complement: PHOX2B is on the minus strand). VCF-style: chr4-41745929-G-A. GRCh37 (hg19) VCF-style: chr4-41747946-G-A.
Other names: short protein forms P275S.
Identifiers: ClinVar variation 5026576 (VCV005026576.1).